The following is an entry in ClinVar:

ClinVar aggregate classification (germline): Uncertain significance (1 of 4 stars; one submission).

Submission:

CeGaT Center for Human Genetics Tuebingen
Classification: Uncertain significance. Last evaluated: 2024-08-01. Review status: criteria provided, single submitter. Criteria: CeGaT Center For Human Genetics Tuebingen Variant Classification Criteria Version 2. Collection method: clinical testing. Allele origin: germline. Affected: yes. Observed: 1 variant allele.
Comment: ADGRV1: PM2

NM_032119.4(ADGRV1):c.152T>C (p.Ile51Thr)

Gene: ADGRV1 (adhesion G protein-coupled receptor V1; plus strand). Cytogenetic location: 5q14.3.
Variant type: single nucleotide variant.
Coding change: c.152T>C on transcript NM_032119.4 (MANE Select); coding-DNA position 152, T replaced by C.
Protein change: p.Ile51Thr; replaces isoleucine 51 with threonine.
Molecular consequence: missense variant. On other transcripts: non-coding transcript variant (1).
Genome position (GRCh38, 1-based): chr5:90,614,964, T>C. VCF-style: chr5-90614964-T-C. GRCh37 (hg19) VCF-style: chr5-89910781-T-C.
Other names: short protein forms I51T.
Identifiers: ClinVar variation 3341984 (VCV003341984.16).
Genomic context (GRCh38, chr5:90,614,964, plus strand): 5'-CAGAAATAAGATTTACTGGACAAACTGAATTTGTTGTTAATGAAACAAGTACAACAGTTA[T>C]TCGTCTTATCATTGAAAGGATAGGAGAGCCAGCAAATGTTACTGCAATTGTATCGGTAAG-3'
Protein context (NP_115495.3, residues 41-61): FVVNETSTTV[Ile51Thr]RLIIERIGEP